The following is an entry in ClinVar:

ClinVar aggregate classification (germline): Uncertain significance (0 of 4 stars; one submission).

Conditions:
Tall stature. Identifiers: MedGen C0241240, HP:0000098.
Bilateral cryptorchidism. Identifiers: MedGen C0431663, HP:0008689.
Broad hallux phalanx. Identifiers: MedGen C4021343, HP:0010059.
Broad forehead. Identifiers: MedGen C1849089, HP:0000337.
Delayed speech and language development. Also called: Language delay. Identifiers: MedGen C0454644, HP:0000750.
Thick eyebrow. Identifiers: MedGen C1853487, HP:0000574.
Sandal gap. Identifiers: MedGen C1840069, HP:0001852.

Submission:

Medical Genetics Lab, Policlinico S. Orsola.Malpighi
Classification: Uncertain significance. Last evaluated: 2018-05-01. Review status: no assertion criteria provided. Collection method: clinical testing. Allele origin: de novo. Inheritance: Sporadic. Affected: yes.
Comment: This is a small, rare, de novo deletion. None of the deleted genes is known to be relevant for neurologic development. ClinVar reports a similar but bigger "likely pathogenic" deletion in a patient with gait disturbance, origin unknown.

Literature cited by the submitters: DOI 10.1016/j.gene.2019.05.007.

NC_000008.10:g.[103335671_103389222del;103662755_103870397del]

Variant type: Haplotype.
Identifiers: ClinVar variation 559433 (VCV000559433.2).